The following is an entry in ClinVar:

ClinVar aggregate classification (germline): Uncertain significance (1 of 4 stars; one submission).

Conditions:
Hypertrophic cardiomyopathy. Also called: HYPERTROPHIC MYOCARDIOPATHY. Identifiers: Orphanet 217569, MedGen C0007194, MeSH D002312, MONDO:0005045, HP:0001639.

Allele frequency attached by ClinVar (database versions not stated): gnomAD 0.00001; gnomAD exomes 0.00002; TOPMed 0.00002; ExAC 0.00003.
gnomAD v4.1: 35 of 1,613,768 alleles (0.0022%); highest among the groups gnomAD compares: South Asian, 0.0044%; no homozygotes.

Submission:

Labcorp Genetics (formerly Invitae), Labcorp
Classification: Uncertain significance for Hypertrophic cardiomyopathy. Last evaluated: 2026-01-31. Review status: criteria provided, single submitter. Criteria: Invitae Variant Classification Sherloc (09022015). Collection method: clinical testing. Allele origin: germline.
Comment: This sequence change replaces arginine, which is basic and polar, with histidine, which is basic and polar, at codon 427 of the MYOM1 protein (p.Arg427His). This variant is present in population databases (rs775219046, gnomAD 0.01%). This variant has not been reported in the literature in individuals affected with MYOM1-related conditions. ClinVar contains an entry for this variant (Variation ID: 2067202). An algorithm developed to predict the effect of missense changes on protein structure and function (PolyPhen-2) suggests that this variant is likely to be disruptive. In summary, the available evidence is currently insufficient to determine the role of this variant in disease. Therefore, it has been classified as a Variant of Uncertain Significance.

NM_003803.4(MYOM1):c.1280G>A (p.Arg427His)

Gene: MYOM1 (myomesin 1; minus strand). Cytogenetic location: 18p11.31.
Variant type: single nucleotide variant.
Coding change: c.1280G>A on transcript NM_003803.4 (MANE Select); coding-DNA position 1280, G replaced by A.
Protein change: p.Arg427His; replaces arginine 427 with histidine.
Molecular consequence: missense variant.
Genome position (GRCh38, 1-based): chr18:3,168,876, C>T on the plus strand (G>A on the coding strand, the complement: MYOM1 is on the minus strand). VCF-style: chr18-3168876-C-T. GRCh37 (hg19) VCF-style: chr18-3168874-C-T.
Other names: c.1280G>A, p.Arg427His (NM_019856.2); short protein forms R427H.
Identifiers: ClinVar variation 2067202 (VCV002067202.4), dbSNP rs775219046, ClinGen allele CA8874995.